The following is an entry in ClinVar:

NM_001943.5(DSG2):c.1913G>A (p.Gly638Glu)

Gene: DSG2 (desmoglein 2; plus strand). Cytogenetic location: 18q12.1.
Variant type: single nucleotide variant.
Coding change: c.1913G>A on transcript NM_001943.5 (MANE Select); coding-DNA position 1913, G replaced by A.
Protein change: p.Gly638Glu; replaces glycine 638 with glutamic acid.
Molecular consequence: missense variant.
Genome position (GRCh38, 1-based): chr18:31,541,226, G>A. VCF-style: chr18-31541226-G-A. GRCh37 (hg19) VCF-style: chr18-29121189-G-A.
Other names: short protein forms G638E.
Identifiers: ClinVar variation 3371958 (VCV003371958.1).

ClinVar aggregate classification (germline): Uncertain significance (1 of 4 stars; one submission).

Submission:

GeneDx
Classification: Uncertain significance. Last evaluated: 2024-04-04. Review status: criteria provided, single submitter. Criteria: GeneDx Variant Classification Process June 2021. Collection method: clinical testing. Allele origin: germline. Affected: yes.
Comment: Not observed at significant frequency in large population cohorts (gnomAD); In silico analysis supports that this missense variant has a deleterious effect on protein structure/function; Has not been previously published as pathogenic or benign to our knowledge